The following is an entry in ClinVar:

ClinVar aggregate classification (germline): Benign/Likely benign. Review status: criteria provided, multiple submitters, no conflicts (2 of 4 stars). 3 submissions from 3 submitters: Benign (1); Likely benign (1). 1 of the submissions does not count toward it. Last evaluated 2025-06-25.

Conditions:
Inborn genetic diseases. Identifiers: MedGen C0950123, MeSH D030342.
PDE4D-related disorder. Also called: PDE4D-related condition.

Allele frequency attached by ClinVar (database versions not stated): gnomAD 0.00003; gnomAD exomes 0.00003; TOPMed 0.00003; ExAC 0.00006.
gnomAD v4.1: 52 of 1,612,684 alleles (0.0032%); highest among the groups gnomAD compares: South Asian, 0.015%; no homozygotes.

Submissions (3):

Labcorp Genetics (formerly Invitae), Labcorp
Classification: Benign. Last evaluated: 2025-06-25. Review status: criteria provided, single submitter. Criteria: Invitae Variant Classification Sherloc (09022015). Collection method: clinical testing. Allele origin: germline.

Ambry Genetics
Classification: Likely benign for Inborn genetic diseases. Last evaluated: 2023-02-28. Review status: criteria provided, single submitter. Criteria: Ambry Variant Classification Scheme 2023. Collection method: clinical testing. Allele origin: germline.

PreventionGenetics, part of Exact Sciences
Classification: Uncertain significance for PDE4D-related condition. Last evaluated: 2024-03-20. Review status: no assertion criteria provided. Collection method: clinical testing. Allele origin: germline. Not counted in ClinVar's aggregate classification.
Comment: The PDE4D c.2180G>A variant is predicted to result in the amino acid substitution p.Arg727Gln. To our knowledge, this variant has not been reported in the literature. This variant is reported in 0.036% of alleles in individuals of South Asian descent in gnomAD. Although we suspect that this variant may be benign, at this time, the clinical significance of this variant is uncertain due to the absence of conclusive functional and genetic evidence.

NM_001104631.2(PDE4D):c.2180G>A (p.Arg727Gln)

Gene: PDE4D (phosphodiesterase 4D; minus strand). Cytogenetic location: 5q11.2.
Variant type: single nucleotide variant.
Coding change: c.2180G>A on transcript NM_001104631.2 (MANE Select); coding-DNA position 2180, G replaced by A.
Protein change: p.Arg727Gln; replaces arginine 727 with glutamine.
Molecular consequence: missense variant.
Genome position (GRCh38, 1-based): chr5:58,974,914, C>T on the plus strand (G>A on the coding strand, the complement: PDE4D is on the minus strand). VCF-style: chr5-58974914-C-T. GRCh37 (hg19) VCF-style: chr5-58270741-C-T.
Other names: c.1997G>A, p.Arg666Gln (NM_001165899.2, NM_001364599.1); c.1988G>A, p.Arg663Gln (NM_001197218.2); c.1814G>A, p.Arg605Gln (NM_001197219.2); c.1790G>A, p.Arg597Gln (NM_001197220.2); c.1274G>A, p.Arg425Gln (NM_001197221.2, NM_001364603.1); c.1508G>A, p.Arg503Gln (NM_001197222.2); c.1307G>A, p.Arg436Gln (NM_001197223.2); c.1967G>A, p.Arg656Gln (NM_001349241.2); and 4 more; short protein forms R503Q, R663Q, R471Q, R597Q, R666Q, R425Q, R591Q, R656Q.
Identifiers: ClinVar variation 2086167 (VCV002086167.7), dbSNP rs769178419, ClinGen allele CA3275923.